The following is an entry in ClinVar:

ClinVar aggregate classification (germline): Pathogenic. Review status: criteria provided, single submitter (1 of 4 stars). 3 submissions from 3 submitters: Pathogenic (1). 2 of the submissions do not count toward it. Last evaluated 2018-10-31.

Conditions:
Sandhoff disease, infantile form. Also called: Acute Infantile Sandhoff Disease; Sandhoff disease, infantile type. Identifiers: Orphanet 309155, MedGen C0751490, MONDO:0017721.
Sandhoff disease. Also called: GM2-GANGLIOSIDOSIS, TYPE II; HEXOSAMINIDASES A AND B DEFICIENCY; Beta-hexosaminidase-beta-subunit deficiency; GM2 gangliosidosis, type 2; Total hexosaminidase deficiency; Sandhoff-Jatzkewitz-Pilz disease. Identifiers: Orphanet 796, MedGen C0036161, MONDO:0010006, OMIM 268800.

Allele frequency attached by ClinVar (database versions not stated): gnomAD exomes below 0.00001; ExAC 0.00001; gnomAD 0.00001.

Submissions (3):

Labcorp Genetics (formerly Invitae), Labcorp
Classification: Pathogenic for Sandhoff disease. Last evaluated: 2018-10-31. Review status: criteria provided, single submitter. Criteria: Invitae Variant Classification Sherloc (09022015). Collection method: clinical testing. Allele origin: germline.
Comment: This sequence change creates a premature translational stop signal (p.Ile322Lysfs*5) in the HEXB gene. It is expected to result in an absent or disrupted protein product. This variant is present in population databases (rs768438206, ExAC 0.001%). This variant has been observed to segregate with Sandhoff disease in a family (PMID: 18758829). ClinVar contains an entry for this variant (Variation ID: 557437). Loss-of-function variants in HEXB are known to be pathogenic (PMID: 7550345, 18758829). For these reasons, this variant has been classified as Pathogenic.

Counsyl
Classification: Likely pathogenic for Sandhoff disease. Last evaluated: 2018-03-30. Review status: no assertion criteria provided. Collection method: clinical testing. Allele origin: unknown. Not counted in ClinVar's aggregate classification.

OMIM
Classification: Pathogenic for SANDHOFF DISEASE, INFANTILE. Last evaluated: 2009-02-01. Review status: no assertion criteria provided. Collection method: literature only. Allele origin: germline. Not counted in ClinVar's aggregate classification.

Literature cited by the submitters: PubMed 18758829 (cited by 3 submitters); PubMed 7550345 (cited by Labcorp Genetics (formerly Invitae), Labcorp).

NM_000521.4(HEXB):c.965del (p.Ile322fs)

Gene: HEXB (hexosaminidase subunit beta; plus strand). Cytogenetic location: 5q13.3.
Variant type: Deletion.
Coding change: c.965del on transcript NM_000521.4 (MANE Select); coding-DNA position 965, one base deleted (T; older notation c.965delT).
Protein change: p.Ile322fs; shifts the reading frame from isoleucine 322.
Molecular consequence: frameshift variant.
Genome position (GRCh38, 1-based): chr5:74,715,573, T deleted. VCF-style (leftmost placement, unchanged base first): chr5-74715572-AT-A. GRCh37 (hg19) VCF-style: chr5-74011397-AT-A.
Other names: c.290del, p.Ile97fs (NM_001292004.2); short protein forms I322fs, I97fs.
Identifiers: ClinVar variation 557437 (VCV000557437.10), dbSNP rs768438206, ClinGen allele CA3305994.